The following is an entry in ClinVar:

NM_020975.6(RET):c.2363T>A (p.Ile788Asn)

Gene: RET (ret proto-oncogene; plus strand). Cytogenetic location: 10q11.21.
Variant type: single nucleotide variant.
Coding change: c.2363T>A on transcript NM_020975.6 (MANE Select); coding-DNA position 2363, T replaced by A.
Protein change: p.Ile788Asn; replaces isoleucine 788 with asparagine.
Molecular consequence: missense variant.
Genome position (GRCh38, 1-based): chr10:43,118,451, T>A. VCF-style: chr10-43118451-T-A. GRCh37 (hg19) VCF-style: chr10-43613899-T-A.
Other names: c.914T>A, p.Ile305Asn (NM_001406794.1, NM_001406792.1, NM_001406793.1); c.2363T>A, p.Ile788Asn (NM_020629.2, NM_020630.7, NM_000323.2 and 4 more transcripts); c.1601T>A, p.Ile534Asn (NM_001355216.2); c.2234T>A, p.Ile745Asn (NM_001406761.1, NM_001406762.1, NM_001406764.1); c.2228T>A, p.Ile743Asn (NM_001406763.1, NM_001406765.1); c.2075T>A, p.Ile692Asn (NM_001406766.1, NM_001406767.1, NM_001406770.1); c.2099T>A, p.Ile700Asn (NM_001406768.1); c.1967T>A, p.Ile656Asn (NM_001406769.1, NM_001406772.1); and 10 more; short protein forms I446N, I546N, I642N, I692N, I353N, I393N, I534N, I613N.
Identifiers: ClinVar variation 1790190 (VCV001790190.2), dbSNP rs2132931118, ClinGen allele CA376555838.

ClinVar aggregate classification (germline): Uncertain significance (1 of 4 stars; one submission).

Conditions:
Hereditary cancer-predisposing syndrome. Also called: Hereditary Cancer Syndrome; Hereditary neoplastic syndrome; Tumor predisposition; Neoplastic Syndromes, Hereditary. Identifiers: Orphanet 140162, MedGen C0027672, MeSH D009386, MONDO:0015356.

Submission:

Ambry Genetics
Classification: Uncertain significance for Hereditary cancer-predisposing syndrome. Last evaluated: 2022-03-27. Review status: criteria provided, single submitter. Criteria: Ambry Variant Classification Scheme 2023. Collection method: clinical testing. Allele origin: germline.
Comment: The p.I788N variant (also known as c.2363T>A), located in coding exon 13 of the RET gene, results from a T to A substitution at nucleotide position 2363. The isoleucine at codon 788 is replaced by asparagine, an amino acid with dissimilar properties. This amino acid position is conserved. In addition, this alteration is predicted to be deleterious by in silico analysis. Since supporting evidence is limited at this time, the clinical significance of this alteration remains unclear.